The following is an entry in ClinVar:

ClinVar aggregate classification (germline): Likely benign (1 of 4 stars; one submission).

Allele frequency attached by ClinVar (database versions not stated): 1000 Genomes Project 30x 0.00031; 1000 Genomes Project 0.00040; ESP Exome Variant Server 0.00046; TOPMed 0.00053; gnomAD exomes 0.00070; gnomAD 0.00086; ExAC 0.00090.
gnomAD v4.1: 1,155 of 1,614,060 alleles (0.072%); highest among the groups gnomAD compares: Non-Finnish European, 0.074%; 2 homozygotes.

Submission:

CeGaT Center for Human Genetics Tuebingen
Classification: Likely benign. Last evaluated: 2023-02-01. Review status: criteria provided, single submitter. Criteria: CeGaT Center For Human Genetics Tuebingen Variant Classification Criteria Version 2. Collection method: clinical testing. Allele origin: germline. Affected: yes. Observed: 1 variant allele.
Comment: CNKSR1: BP4

NM_006314.3(CNKSR1):c.1520G>A (p.Arg507Gln)

Gene: CNKSR1 (connector enhancer of kinase suppressor of Ras 1; plus strand). Cytogenetic location: 1p36.11.
Variant type: single nucleotide variant.
Coding change: c.1520G>A on transcript NM_006314.3 (MANE Select); coding-DNA position 1520, G replaced by A.
Protein change: p.Arg507Gln; replaces arginine 507 with glutamine.
Molecular consequence: missense variant.
Genome position (GRCh38, 1-based): chr1:26,188,299, G>A. VCF-style: chr1-26188299-G-A. GRCh37 (hg19) VCF-style: chr1-26514790-G-A.
Other names: c.1541G>A, p.Arg514Gln (NM_001297647.2); c.746G>A, p.Arg249Gln (NM_001297648.2); short protein forms R249Q, R507Q, R514Q.
Identifiers: ClinVar variation 2638506 (VCV002638506.24), dbSNP rs138124006, ClinGen allele CA700824.
Genomic context (GRCh38, chr1:26,188,299, plus strand): 5'-TGCGTCATCTCATTACCTGCATCTCCAAGTACCAGTCTCCAGGCCGGGCCCCCCCACCCC[G>A]AGAGGAAGGTAGGTGTCTCGCAGGGTTGAGTGGGAGGAACCCTCACCTGAGCCTGTGCCT-3'
Protein context (NP_006305.2, residues 497-517): YQSPGRAPPP[Arg507Gln]EEDCYSETEA